The following is an entry in ClinVar:

ClinVar aggregate classification (germline): Conflicting classifications of pathogenicity. Review status: criteria provided, conflicting classifications (1 of 4 stars). 2 submissions from 2 submitters: Uncertain significance (1); Likely benign (1). Last evaluated 2024-09-01.

Conditions:
Neuropathy, hereditary sensory, type 2C. Also called: Hereditary sensory and autonomic neuropathy type IIC; KIF1A-Related HSAN2 (HSAN2C). Identifiers: Orphanet 970, MedGen C3280168, MONDO:0013634, OMIM 614213.
Intellectual disability, autosomal dominant 9 (NESCAVS). Also called: NESCAV SYNDROME; KIF1A-Related Neurodevelopmental Disorder. Identifiers: Orphanet 662367, MedGen C5393830, MONDO:0013656, OMIM 614255.
Hereditary spastic paraplegia 30. Identifiers: Orphanet 101010, MedGen C5235139, MONDO:0012476.

Allele frequency attached by ClinVar (database versions not stated): TOPMed below 0.00001; gnomAD exomes 0.00001 and 0.00002; ExAC 0.00003.
gnomAD v4.1: 12 of 1,612,002 alleles (0.00074%); highest among the groups gnomAD compares: Non-Finnish European, 0.00076%; no homozygotes.

Submissions (2):

CeGaT Center for Human Genetics Tuebingen
Classification: Uncertain significance. Last evaluated: 2024-09-01. Review status: criteria provided, single submitter. Criteria: CeGaT Center For Human Genetics Tuebingen Variant Classification Criteria Version 2. Collection method: clinical testing. Allele origin: germline. Affected: yes. Observed: 1 variant allele.
Comment: KIF1A: PM2, BP4

Labcorp Genetics (formerly Invitae), Labcorp
Classification: Likely benign for Hereditary spastic paraplegia 30; Neuropathy, hereditary sensory, type 2C; Intellectual disability, autosomal dominant 9. Last evaluated: 2023-11-17. Review status: criteria provided, single submitter. Criteria: Invitae Variant Classification Sherloc (09022015). Collection method: clinical testing. Allele origin: germline.

NM_001244008.2(KIF1A):c.2978-6C>T

Gene: KIF1A (kinesin family member 1A; minus strand). Cytogenetic location: 2q37.3.
Variant type: single nucleotide variant.
Coding change: c.2978-6C>T on transcript NM_001244008.2 (MANE Select); 6 bases into the intron before coding-DNA position 2978, C replaced by T.
Molecular consequence: intron variant.
Genome position (GRCh38, 1-based): chr2:240,747,327, G>A on the plus strand (C>T on the coding strand, the complement: KIF1A is on the minus strand). VCF-style: chr2-240747327-G-A. GRCh37 (hg19) VCF-style: chr2-241686744-G-A.
Other names: c.2675-6C>T (NM_001379653.1, NM_001379650.1, NM_001379640.1 and 6 more transcripts); c.2951-6C>T (NM_001379645.1, NM_001379633.1, NM_001379642.1); c.2777-6C>T (NM_001379635.1, NM_001330290.2, NM_001379646.1 and 1 more transcripts); c.2927-6C>T (NM_001379632.1); c.2750-6C>T (NM_001379637.1, NM_001379648.1); c.2702-6C>T (NM_001320705.2, NM_001379638.1, NM_001330289.2); c.3053-6C>T (NM_001379631.1).
Identifiers: ClinVar variation 1139484 (VCV001139484.23), dbSNP rs755569458, ClinGen allele CA2207941.
Genomic context (GRCh38, chr2:240,747,327, plus strand): 5'-TTAGCAGTTCCCGACTGGCGGACGCCAGAGCCATAATCAGGGGCCTCTTCATCGGCTGCA[G>A]GAGAAACAGAGCAAATGGTTGGAGCCCAGCTTGTCCCCTGAGGTGGGTGTGGGCAGAGCC-3'